The following is an entry in ClinVar:

ClinVar aggregate classification (germline): Uncertain significance (1 of 4 stars; one submission).

Submission:

Labcorp Genetics (formerly Invitae), Labcorp
Classification: Uncertain significance. Last evaluated: 2024-09-29. Review status: criteria provided, single submitter. Criteria: Invitae Variant Classification Sherloc (09022015). Collection method: clinical testing. Allele origin: germline.
Comment: This sequence change affects a donor splice site in intron 16 of the TRRAP gene. It is expected to disrupt RNA splicing. Variants that disrupt the donor or acceptor splice site typically lead to a loss of protein function (PMID: 16199547), however the current clinical and genetic evidence is not sufficient to establish whether loss-of-function variants in TRRAP cause disease. This variant is not present in population databases (gnomAD no frequency). This variant has not been reported in the literature in individuals affected with TRRAP-related conditions. Algorithms developed to predict the effect of sequence changes on RNA splicing suggest that this variant may disrupt the consensus splice site. In summary, the available evidence is currently insufficient to determine the role of this variant in disease. Therefore, it has been classified as a Variant of Uncertain Significance.

Literature cited by the submitters: PubMed 16199547.

NM_001375524.1(TRRAP):c.1812+1G>A

Gene: TRRAP (transformation/transcription domain associated protein; plus strand). Cytogenetic location: 7q22.1.
Variant type: single nucleotide variant.
Coding change: c.1812+1G>A on transcript NM_001375524.1 (MANE Select); the canonical splice donor site of the intron after coding-DNA position 1812, G replaced by A.
Molecular consequence: splice donor variant.
Genome position (GRCh38, 1-based): chr7:98,910,608, G>A. VCF-style: chr7-98910608-G-A. GRCh37 (hg19) VCF-style: chr7-98508231-G-A.
Other names: c.1812+1G>A (NM_001244580.2, NM_003496.4).
Identifiers: ClinVar variation 3721812 (VCV003721812.2).
Genomic context (GRCh38, chr7:98,910,608, plus strand): 5'-GAGACACAGATTTACATCAAACTTGTGAAATATGCAATGCAAGCTTTAGATATTTATCAG[G>A]TAAGGAAGTGCCCTCCAGCCAGGCTTTCGCATATGGAAAGTACCTCTTAGTATTAGAGGT-3'